The following is an entry in ClinVar:

ClinVar aggregate classification (germline): Uncertain significance. Review status: criteria provided, multiple submitters, no conflicts (2 of 4 stars). 3 submissions from 3 submitters: Uncertain significance (3). Last evaluated 2026-03-27.

Conditions:
Autosomal dominant polycystic kidney disease. Identifiers: Orphanet 730, MedGen C0085413, MONDO:0004691.

Allele frequency attached by ClinVar (database versions not stated): TOPMed below 0.00001.
gnomAD v4.1: 2 of 1,599,790 alleles (0.00013%); highest among the groups gnomAD compares: Non-Finnish European, 0.00017%; no homozygotes.

Submissions (3):

GeneDx
Classification: Uncertain significance. Last evaluated: 2026-03-27. Review status: criteria provided, single submitter. Criteria: GeneDx Variant Classification Process June 2021. Collection method: clinical testing. Allele origin: germline.
Comment: Identified in a patient with suspected autosomal recessive polycystic kidney disease in published literature (PMID: 25646624); Not observed at significant frequency in large population cohorts (gnomAD); In silico analysis supports that this missense variant has a deleterious effect on protein structure/function; This variant is associated with the following publications: (PMID: 37028763, 39009345, 27071085, 25646624)

Labcorp Genetics (formerly Invitae), Labcorp
Classification: Uncertain significance for Autosomal dominant polycystic kidney disease. Last evaluated: 2023-09-30. Review status: criteria provided, single submitter. Criteria: Invitae Variant Classification Sherloc (09022015). Collection method: clinical testing. Allele origin: germline.
Comment: Experimental studies have shown that this missense change affects PKD2 function (PMID: 27071085). This sequence change replaces arginine, which is basic and polar, with cysteine, which is neutral and slightly polar, at codon 638 of the PKD2 protein (p.Arg638Cys). This variant is not present in population databases (gnomAD no frequency). This missense change has been observed in individual(s) with polycystic kidney disease (PMID: 25646624). ClinVar contains an entry for this variant (Variation ID: 1807330). Advanced modeling of protein sequence and biophysical properties (such as structural, functional, and spatial information, amino acid conservation, physicochemical variation, residue mobility, and thermodynamic stability) performed at Invitae indicates that this missense variant is expected to disrupt PKD2 protein function. In summary, the available evidence is currently insufficient to determine the role of this variant in disease. Therefore, it has been classified as a Variant of Uncertain Significance.

Athena Diagnostics
Classification: Uncertain significance. Last evaluated: 2022-08-24. Review status: criteria provided, single submitter. Criteria: Athena Diagnostics Criteria. Collection method: clinical testing. Allele origin: unknown.

Literature cited by the submitters: PubMed 27071085 (cited by Labcorp Genetics (formerly Invitae), Labcorp and Athena Diagnostics); PubMed 25646624 (cited by Labcorp Genetics (formerly Invitae), Labcorp and Athena Diagnostics); PubMed 27991905 (cited by Athena Diagnostics); PubMed 27768895 (cited by Athena Diagnostics).

NM_000297.4(PKD2):c.1912C>T (p.Arg638Cys)

Gene: PKD2 (polycystin 2, transient receptor potential cation channel; plus strand). Cytogenetic location: 4q22.1.
Variant type: single nucleotide variant.
Coding change: c.1912C>T on transcript NM_000297.4 (MANE Select); coding-DNA position 1912, C replaced by T.
Protein change: p.Arg638Cys; replaces arginine 638 with cysteine.
Molecular consequence: missense variant.
Genome position (GRCh38, 1-based): chr4:88,057,996, C>T. VCF-style: chr4-88057996-C-T. GRCh37 (hg19) VCF-style: chr4-88979148-C-T.
Other names: short protein forms R638C.
Identifiers: ClinVar variation 1807330 (VCV001807330.5), dbSNP rs1385712672, ClinGen allele CA357623053.